The following is an entry in ClinVar:

NM_004782.4(SNAP29):c.445G>A (p.Ala149Thr)

Gene: SNAP29 (synaptosome associated protein 29; plus strand). Cytogenetic location: 22q11.21.
Variant type: single nucleotide variant.
Coding change: c.445G>A on transcript NM_004782.4 (MANE Select); coding-DNA position 445, G replaced by A.
Protein change: p.Ala149Thr; replaces alanine 149 with threonine.
Molecular consequence: missense variant.
Genome position (GRCh38, 1-based): chr22:20,881,059, G>A. VCF-style: chr22-20881059-G-A. GRCh37 (hg19) VCF-style: chr22-21235347-G-A.
Other names: short protein forms A149T.
Identifiers: ClinVar variation 2054156 (VCV002054156.4), dbSNP rs2518518041, ClinGen allele CA410758865.

ClinVar aggregate classification (germline): Uncertain significance (1 of 4 stars; one submission).

Submission:

Labcorp Genetics (formerly Invitae), Labcorp
Classification: Uncertain significance. Last evaluated: 2021-12-23. Review status: criteria provided, single submitter. Criteria: Invitae Variant Classification Sherloc (09022015). Collection method: clinical testing. Allele origin: germline.
Comment: Algorithms developed to predict the effect of missense changes on protein structure and function are either unavailable or do not agree on the potential impact of this missense change (SIFT: "Tolerated"; PolyPhen-2: "Probably Damaging"; Align-GVGD: "Class C0"). This sequence change replaces alanine, which is neutral and non-polar, with threonine, which is neutral and polar, at codon 149 of the SNAP29 protein (p.Ala149Thr). This variant is not present in population databases (gnomAD no frequency). This variant has not been reported in the literature in individuals affected with SNAP29-related conditions. In summary, the available evidence is currently insufficient to determine the role of this variant in disease. Therefore, it has been classified as a Variant of Uncertain Significance.